The following is an entry in ClinVar:

ClinVar aggregate classification (germline): Likely benign. Review status: criteria provided, multiple submitters, no conflicts (2 of 4 stars). 3 submissions from 3 submitters: Likely benign (2). 1 of the submissions does not count toward it. Last evaluated 2025-12-01.

Conditions:
Inborn genetic diseases. Identifiers: MedGen C0950123, MeSH D030342.
DPYS-related disorder. Also called: DPYS-related condition.

Allele frequency attached by ClinVar (database versions not stated): gnomAD exomes 0.00033; ExAC 0.00113; gnomAD 0.00232; TOPMed 0.00241; 1000 Genomes Project 0.00280; 1000 Genomes Project 30x 0.00344.
gnomAD v4.1: 606 of 1,510,916 alleles (0.04%); highest among the groups gnomAD compares: African/African-American, 0.79%; 3 homozygotes.

Submissions (3):

Labcorp Genetics (formerly Invitae), Labcorp
Classification: Likely benign. Last evaluated: 2025-12-01. Review status: criteria provided, single submitter. Criteria: Invitae Variant Classification Sherloc (09022015). Collection method: clinical testing. Allele origin: germline.

Ambry Genetics
Classification: Likely benign for Inborn genetic diseases. Last evaluated: 2025-02-18. Review status: criteria provided, single submitter. Criteria: Ambry Variant Classification Scheme 2023. Collection method: clinical testing. Allele origin: germline.

PreventionGenetics, part of Exact Sciences
Classification: Benign for DPYS-related condition. Last evaluated: 2020-01-30. Review status: no assertion criteria provided. Collection method: clinical testing. Allele origin: germline. Not counted in ClinVar's aggregate classification.
Comment: This variant is classified as benign based on ACMG/AMP sequence variant interpretation guidelines (Richards et al. 2015 PMID: 25741868, with internal and published modifications).

NM_001385.3(DPYS):c.29G>A (p.Arg10His)

Gene: DPYS (dihydropyrimidinase; minus strand). Cytogenetic location: 8q22.3.
Variant type: single nucleotide variant.
Coding change: c.29G>A on transcript NM_001385.3 (MANE Select); coding-DNA position 29, G replaced by A.
Protein change: p.Arg10His; replaces arginine 10 with histidine.
Molecular consequence: missense variant.
Genome position (GRCh38, 1-based): chr8:104,466,892, C>T on the plus strand (G>A on the coding strand, the complement: DPYS is on the minus strand). VCF-style: chr8-104466892-C-T. GRCh37 (hg19) VCF-style: chr8-105479120-C-T.
Other names: short protein forms R10H.
Identifiers: ClinVar variation 721029 (VCV000721029.13), dbSNP rs199966726, ClinGen allele CA4838642.